The following is an entry in ClinVar:

NM_015272.5(RPGRIP1L):c.3621_3622del (p.Tyr1208fs)

Gene: RPGRIP1L (RPGRIP1 like; minus strand). Cytogenetic location: 16q12.2.
Variant type: Deletion.
Coding change: c.3621_3622del on transcript NM_015272.5 (MANE Select); coding-DNA positions 3621 to 3622, 2 bases deleted (CT; older notation c.3621_3622delCT).
Protein change: p.Tyr1208fs; shifts the reading frame from tyrosine 1208.
Molecular consequence: frameshift variant.
Genome position (GRCh38, 1-based): chr16:53,611,046-53,611,047, AG deleted on the plus strand (CT on the coding strand, the reverse complement: RPGRIP1L is on the minus strand); deleting any 2 consecutive bases within chr16:53,611,046-53,611,048 gives the same sequence; the c. name uses the placement nearest the transcript's 3' end. VCF-style (leftmost placement, unchanged base first): chr16-53611045-TAG-T. GRCh37 (hg19) VCF-style: chr16-53644957-TAG-T.
Other names: c.3381_3382del, p.Tyr1128fs (NM_001127897.4); c.3483_3484del, p.Tyr1162fs (NM_001308334.3); c.3519_3520del, p.Tyr1174fs (NM_001330538.2); short protein forms Y1128fs, Y1162fs, Y1174fs, Y1208fs.
Identifiers: ClinVar variation 4815846 (VCV004815846.1).
Genomic context (GRCh38, chr16:53,611,045, plus strand): 5'-TGTTTTTGTAGTATAGCTTTTAAGATGTCTCTCTTTGCTTTGTTGTTTTCTTTATCCACG[TAG>T]ATCACTATACCAAAAGAAAAAAAAATGCCAAAAAGGAAGTCACTCAGGAATAGGCTACAT-3'

ClinVar aggregate classification (germline): Likely pathogenic (1 of 4 stars; one submission).

Conditions:
Joubert syndrome. Also called: Familial aplasia of the vermis; JOUBERT-BOLTSHAUSER SYNDROME; CEREBELLOPARENCHYMAL DISORDER IV. Identifiers: Orphanet 475, MedGen C5979921, MONDO:0018772.

Submission:

Natera, Inc.
Classification: Likely pathogenic for Joubert syndrome. Last evaluated: 2024-07-10. Review status: criteria provided, single submitter. Criteria: Natera Variant Classification Schema (03/2026). Collection method: clinical testing. Allele origin: germline.
Comment: The c.3621_3622del variant in RPGRIP1L is a frameshift variant predicted to shift the reading frame beginning at codon 1208 and leads to a stop codon 3 codons downstream. This variant is expected to result in nonsense mediated decay, truncation, or a dysfunctional protein product. This variant is rare in the general population with a frequency below the threshold expected for the associated phenotype(s). Given the available evidence, this variant is classified as Likely Pathogenic.